The following is an entry in ClinVar:

NM_001267550.2(TTN):c.11391A>G (p.Thr3797=)

Gene: TTN (titin; minus strand). Cytogenetic location: 2q31.2.
Variant type: single nucleotide variant.
Coding change: c.11391A>G on transcript NM_001267550.2 (MANE Select); coding-DNA position 11391, A replaced by G.
Protein change: p.Thr3797=; no amino-acid change (threonine 3797 retained).
Molecular consequence: synonymous variant. On other transcripts: intron variant (1).
Genome position (GRCh38, 1-based): chr2:178,741,842, T>C on the plus strand (A>G on the coding strand, the complement: TTN is on the minus strand). VCF-style: chr2-178741842-T-C. GRCh37 (hg19) VCF-style: chr2-179606569-T-C.
Other names: c.10440A>G, p.Thr3480= (NM_001256850.1); c.10302A>G, p.Thr3434= (NM_003319.4); c.10677A>G, p.Thr3559= (NM_133432.3); c.10878A>G, p.Thr3626= (NM_133437.4); c.10361-3482A>G (NM_133378.4).
Identifiers: ClinVar variation 390046 (VCV000390046.15), dbSNP rs373708340, ClinGen allele CA2002858.

ClinVar aggregate classification (germline): Likely benign. Review status: criteria provided, multiple submitters, no conflicts (2 of 4 stars). 4 submissions from 4 submitters: Likely benign (4). Last evaluated 2025-10-07.

Conditions:
TTN-related disorder. Also called: TTN-related disorders; TTN-related condition; TTN-related disease.
Autosomal recessive limb-girdle muscular dystrophy type 2J (LGMDR10). Also called: Limb-girdle muscular dystrophy, type 2J; MUSCULAR DYSTROPHY, LIMB-GIRDLE, AUTOSOMAL RECESSIVE 10. Identifiers: Orphanet 140922, MedGen C1837342, MONDO:0012127, OMIM 608807.
Dilated cardiomyopathy 1G (CMD1G). Identifiers: Orphanet 154, MedGen C1858763, MONDO:0011400, OMIM 604145.
Cardiovascular phenotype. Identifiers: MedGen CN230736.

Allele frequency attached by ClinVar (database versions not stated): TOPMed 0.00002; gnomAD 0.00003; ExAC 0.00004; ESP Exome Variant Server 0.00008.
gnomAD v4.1: 93 of 1,608,334 alleles (0.0058%); highest among the groups gnomAD compares: Non-Finnish European, 0.0078%; no homozygotes.

Submissions (4):

Labcorp Genetics (formerly Invitae), Labcorp
Classification: Likely benign for Dilated cardiomyopathy 1G; Autosomal recessive limb-girdle muscular dystrophy type 2J. Last evaluated: 2025-10-07. Review status: criteria provided, single submitter. Criteria: Invitae Variant Classification Sherloc (09022015). Collection method: clinical testing. Allele origin: germline.

PreventionGenetics, part of Exact Sciences
Classification: Likely benign for TTN-related condition. Last evaluated: 2025-09-04. Review status: criteria provided, single submitter. Criteria: ACMG Guidelines, 2015. Collection method: clinical testing. Allele origin: germline.
Comment: This variant is classified as likely benign based on ACMG/AMP sequence variant interpretation guidelines (Richards et al. 2015 PMID: 25741868, with internal and published modifications).

Ambry Genetics
Classification: Likely benign for Cardiovascular phenotype. Last evaluated: 2021-09-20. Review status: criteria provided, single submitter. Criteria: Ambry Variant Classification Scheme 2023. Collection method: clinical testing. Allele origin: germline.

GeneDx
Classification: Likely benign. Last evaluated: 2016-10-26. Review status: criteria provided, single submitter. Criteria: GeneDx Variant Classification (06012015). Collection method: clinical testing. Allele origin: germline. Affected: yes.
Comment: This variant is considered likely benign or benign based on one or more of the following criteria: it is a conservative change, it occurs at a poorly conserved position in the protein, it is predicted to be benign by multiple in silico algorithms, and/or has population frequency not consistent with disease.